The following is an entry in ClinVar:

NM_130839.5(UBE3A):c.1767C>T (p.Tyr589=)

Genes: SNHG14 (small nucleolar RNA host gene 14; plus strand), UBE3A (ubiquitin protein ligase E3A; minus strand). Cytogenetic location: 15q11.2.
Variant type: single nucleotide variant.
Coding change: c.1767C>T on transcript NM_130839.5 (MANE Select); coding-DNA position 1767, C replaced by T.
Protein change: p.Tyr589=; no amino-acid change (tyrosine 589 retained).
Molecular consequence: synonymous variant. On other transcripts: non-coding transcript variant (1).
Genome position (GRCh38, 1-based): chr15:25,356,883, G>A on the plus strand (C>T on the coding strand, the complement: UBE3A is on the minus strand). VCF-style: chr15-25356883-G-A. GRCh37 (hg19) VCF-style: chr15-25602030-G-A.
Other names: p.Y589Y:TAC>TAT; NM_130839.5(UBE3A):c.1767C>T; p.Tyr589=; c.1776C>T, p.Tyr592= (NM_000462.5); c.1767C>T, p.Tyr589= (NM_001354505.1, NM_001354538.2, NM_001354545.2); c.1707C>T, p.Tyr569= (NM_001354506.2, NM_001354507.2, NM_001354508.2 and 17 more transcripts); c.1590C>T, p.Tyr530= (NM_001354546.2); c.516C>T, p.Tyr172= (NM_001354550.2); and 1 more.
Identifiers: ClinVar variation 137886 (VCV000137886.89), dbSNP rs139082033, ClinGen allele CA205044.
Genomic context (GRCh38, chr15:25,356,883, plus strand): 5'-AAACTGACCCTCAGTTTCAAAAGAAGATGGATTAAACCAAAACAATTTTGTAGATTCATC[G>A]TATGTGAACATACCTATAAGAAATGATTTTTAAAAATACATTACTTTTGTATTTTATTAA-3'
Protein context (NP_570854.1, residues 579-599): IFNPDIGMFT[Tyr589=]DESTKLFWFN

ClinVar aggregate classification (germline): Benign. Review status: reviewed by expert panel (3 of 4 stars). 13 submissions from 13 submitters: Benign (1). 12 of the submissions do not count toward it. Last evaluated 2022-06-30.

Conditions:
Inborn genetic diseases. Identifiers: MedGen C0950123, MeSH D030342.
Angelman syndrome (AS). Also called: HAPPY PUPPET SYNDROME. Identifiers: Orphanet 72, MedGen C0162635, MONDO:0007113, OMIM 105830. Disease mechanism: loss of function. Inheritance: AS is caused by disruption of maternally imprinted UBE3A located within the 15q11.2-q13 Angelman syndrome/Prader-Willi syndrome (AS/PWS) region., imprinting disorder.

Allele frequency attached by ClinVar (database versions not stated): 1000 Genomes Project 0.00080; ExAC 0.00086; ESP Exome Variant Server 0.00092; gnomAD 0.00094 and 0.00096; TOPMed 0.00095; gnomAD exomes 0.00167 and 0.00078; 1000 Genomes Project 30x 0.00062.
gnomAD v4.1: 2,544 of 1,612,988 alleles (0.16%); highest among the groups gnomAD compares: Non-Finnish European, 0.21%; 6 homozygotes.

Submissions (13):

ClinGen Rett and Angelman-like Disorders Variant Curation Expert Panel
Classification: Benign for Angelman syndrome. Last evaluated: 2022-06-30. Review status: reviewed by expert panel. Criteria: ClinGen RettAS ACMG Specifications V2. Collection method: curation. Allele origin: germline. Inheritance: Autosomal dominant inheritance.
Comment: The allele frequency of the c.1707C>T p.(Tyr569=) variant in UBE3A (NM_130838.2) is 0.15% in the European (non-Finnish) sub population in gnomAD, which is high enough to be classified as benign based on thresholds defined by the ClinGen Rett/Angelman-like Expert Panel for Rett/AS-like conditions (BA1). In summary, the c.1707C>T p.(Tyr569=) variant in UBE3A is classified as Benign based on the ACMG/AMP criteria (BA1).

CeGaT Center for Human Genetics Tuebingen
Classification: Likely benign. Last evaluated: 2026-09-01. Review status: criteria provided, single submitter. Criteria: CeGaT Center For Human Genetics Tuebingen Variant Classification Criteria Version 2. Collection method: clinical testing. Allele origin: germline. Affected: yes. Observed: 22 variant alleles. Not counted in ClinVar's aggregate classification.
Comment: UBE3A: BP4, BP7

Labcorp Genetics (formerly Invitae), Labcorp
Classification: Benign for Angelman syndrome. Last evaluated: 2026-02-02. Review status: criteria provided, single submitter. Criteria: Invitae Variant Classification Sherloc (09022015). Collection method: clinical testing. Allele origin: germline. Not counted in ClinVar's aggregate classification.

Athena Diagnostics
Classification: Benign. Last evaluated: 2025-07-01. Review status: criteria provided, single submitter. Criteria: Athena Diagnostics Criteria. Collection method: clinical testing. Allele origin: unknown. Not counted in ClinVar's aggregate classification.
Comment: The frequency of this variant in the general population is higher than would generally be expected for pathogenic variants in this gene.

Blueprint Genetics
Classification: Likely benign. Last evaluated: 2024-09-09. Review status: criteria provided, single submitter. Criteria: ACMG Guidelines, 2015. Collection method: clinical testing. Allele origin: germline. Not counted in ClinVar's aggregate classification.

Eurofins Ntd Llc (ga)
Classification: Benign. Last evaluated: 2017-04-05. Review status: criteria provided, single submitter. Criteria: EGL Classification Definitions 2015. Collection method: clinical testing. Allele origin: germline. Observed: 1 variant allele, 1 heterozygote. Not counted in ClinVar's aggregate classification.

Ambry Genetics
Classification: Likely benign for Inborn genetic diseases. Last evaluated: 2017-01-25. Review status: criteria provided, single submitter. Criteria: Ambry Variant Classification Scheme 2023. Collection method: clinical testing. Allele origin: germline. Not counted in ClinVar's aggregate classification.

GeneDx
Classification: Benign. Last evaluated: 2016-07-15. Review status: criteria provided, single submitter. Criteria: GeneDx Variant Classification (06012015). Collection method: clinical testing. Allele origin: germline. Affected: yes. Not counted in ClinVar's aggregate classification.
Comment: This variant is considered likely benign or benign based on one or more of the following criteria: it is a conservative change, it occurs at a poorly conserved position in the protein, it is predicted to be benign by multiple in silico algorithms, and/or has population frequency not consistent with disease.

Genetic Services Laboratory, University of Chicago
Classification: Likely benign. Last evaluated: 2015-08-10. Review status: criteria provided, single submitter. Criteria: ACMG Guidelines, 2015. Collection method: clinical testing. Allele origin: germline. Not counted in ClinVar's aggregate classification.

Breakthrough Genomics
Classification: Likely benign. Review status: criteria provided, single submitter. Criteria: ACMG Guidelines, 2015. Collection method: not provided. Allele origin: germline. Inheritance: Autosomal dominant inheritance. Affected: yes. Not counted in ClinVar's aggregate classification.

Baylor Genetics
Classification: Uncertain significance for Angelman syndrome. Last evaluated: 2014-02-14. Review status: no assertion criteria provided. Collection method: clinical testing. Allele origin: paternal. Affected: yes. Observed: 3 variant alleles. Study: UBE3A Mutation Study. Not counted in ClinVar's aggregate classification.
Comment: possible diagnosis of Angelman syndrome

MAF 0.001

Data collected from clinical UBE3A sequence analysis results

Genome Diagnostics Laboratory, University Medical Center Utrecht
Classification: Likely benign. Review status: no assertion criteria provided. Collection method: clinical testing. Allele origin: germline. Affected: yes. Study: VKGL Data-share Consensus. Not counted in ClinVar's aggregate classification.

Joint Genome Diagnostic Labs from Nijmegen and Maastricht, Radboudumc and MUMC+
Classification: Benign. Review status: no assertion criteria provided. Collection method: clinical testing. Allele origin: germline. Affected: yes. Study: VKGL Data-share Consensus. Not counted in ClinVar's aggregate classification.

Literature cited by the submitters: PubMed 25212744 (cited by Athena Diagnostics and Baylor Genetics).